The following is an entry in ClinVar:

ClinVar aggregate classification (germline): Uncertain significance. Review status: criteria provided, multiple submitters, no conflicts (2 of 4 stars). 2 submissions from 2 submitters: Uncertain significance (2). Last evaluated 2024-04-04.

Conditions:
Inborn genetic diseases. Identifiers: MedGen C0950123, MeSH D030342.
Early-infantile DEE. Also called: Early infantile epileptic encephalopathy; Ohtahara syndrome; Early infantile epileptic encephalopathy with suppression bursts. Identifiers: Orphanet 1934, MedGen C0393706, MONDO:0800491.

Allele frequency attached by ClinVar (database versions not stated): gnomAD exomes below 0.00001; TOPMed below 0.00001.

Submissions (2):

Ambry Genetics
Classification: Uncertain significance for Inborn genetic diseases. Last evaluated: 2024-04-04. Review status: criteria provided, single submitter. Criteria: Ambry Variant Classification Scheme 2023. Collection method: clinical testing. Allele origin: germline.

Labcorp Genetics (formerly Invitae), Labcorp
Classification: Uncertain significance for Early-infantile DEE. Last evaluated: 2022-11-22. Review status: criteria provided, single submitter. Criteria: Invitae Variant Classification Sherloc (09022015). Collection method: clinical testing. Allele origin: germline.
Comment: This sequence change replaces valine, which is neutral and non-polar, with alanine, which is neutral and non-polar, at codon 654 of the SCN1A protein (p.Val654Ala). This variant is not present in population databases (gnomAD no frequency). This missense change has been observed in individual(s) with SCN1A-related conditions (Invitae). ClinVar contains an entry for this variant (Variation ID: 1461711). Advanced modeling of protein sequence and biophysical properties (such as structural, functional, and spatial information, amino acid conservation, physicochemical variation, residue mobility, and thermodynamic stability) performed at Invitae indicates that this missense variant is not expected to disrupt SCN1A protein function. In summary, the available evidence is currently insufficient to determine the role of this variant in disease. Therefore, it has been classified as a Variant of Uncertain Significance.

NM_001165963.4(SCN1A):c.1961T>C (p.Val654Ala)

Gene: SCN1A (sodium voltage-gated channel alpha subunit 1; minus strand). Cytogenetic location: 2q24.3.
Variant type: single nucleotide variant.
Coding change: c.1961T>C on transcript NM_001165963.4 (MANE Select); coding-DNA position 1961, T replaced by C.
Protein change: p.Val654Ala; replaces valine 654 with alanine.
Molecular consequence: missense variant. On other transcripts: 5 prime UTR variant (1), non-coding transcript variant (1), splice donor variant (4).
Genome position (GRCh38, 1-based): chr2:166,043,751, A>G on the plus strand (T>C on the coding strand, the complement: SCN1A is on the minus strand). VCF-style: chr2-166043751-A-G. GRCh37 (hg19) VCF-style: chr2-166900261-A-G.
Other names: c.1961T>C, p.Val654Ala (NM_001202435.3, NM_001353948.2, NM_001353949.2 and 4 more transcripts); c.1958T>C, p.Val653Ala (NM_001353954.2, NM_001353955.2); c.-465T>C (NM_001353961.2); c.1959+2T>C (NM_001353958.2, NM_001353957.2, NM_001165964.3); c.1956+2T>C (NM_001353960.2); c.1961T>C (NM_001165963.1); short protein forms V654A, V653A.
Identifiers: ClinVar variation 1461711 (VCV001461711.8), dbSNP rs1697427369, ClinGen allele CA349067199.
Genomic context (GRCh38, chr2:166,043,751, plus strand): 5'-TCTATTATCACCTCTGGCAGAAGCTGTCCAACAGGCGATGTAGGAACTGAAGGTCCACCA[A>G]CCAAGGAAACCACACCATTGCAATCCACAGTGCTGTGCATCTTCCCATTCGCTGGAAACA-3'
Protein context (NP_001159435.1, residues 644-664): TVDCNGVVSL[Val654Ala]GGPSVPTSPV